The following is an entry in ClinVar:

NM_058216.3(RAD51C):c.966-2226C>G

Gene: RAD51C (RAD51 paralog C; plus strand). Cytogenetic location: 17q22.
Variant type: single nucleotide variant.
Coding change: c.966-2226C>G on transcript NM_058216.3 (MANE Select); 2226 bases into the intron before coding-DNA position 966, C replaced by G.
Molecular consequence: intron variant.
Genome position (GRCh38, 1-based): chr17:58,730,258, C>G. VCF-style: chr17-58730258-C-G. GRCh37 (hg19) VCF-style: chr17-56807619-C-G.
Identifiers: ClinVar variation 3905690 (VCV003905690.10).

ClinVar aggregate classification (germline): Likely benign (1 of 4 stars; one submission).

Submission:

CeGaT Center for Human Genetics Tuebingen
Classification: Likely benign. Last evaluated: 2025-05-01. Review status: criteria provided, single submitter. Criteria: CeGaT Center For Human Genetics Tuebingen Variant Classification Criteria Version 2. Collection method: clinical testing. Allele origin: germline. Affected: yes. Observed: 1 variant allele.
Comment: RAD51C: PM2:Supporting, BP4, BP7